The following is an entry in ClinVar:

NM_001148.6(ANK2):c.10187C>A (p.Ser3396Tyr)

Gene: ANK2 (ankyrin 2; plus strand). Cytogenetic location: 4q26.
Variant type: single nucleotide variant.
Coding change: c.10187C>A on transcript NM_001148.6 (MANE Select); coding-DNA position 10187, C replaced by A.
Protein change: p.Ser3396Tyr; replaces serine 3396 with tyrosine.
Molecular consequence: missense variant. On other transcripts: intron variant (68).
Genome position (GRCh38, 1-based): chr4:113,358,805, C>A. VCF-style: chr4-113358805-C-A. GRCh37 (hg19) VCF-style: chr4-114279961-C-A.
Other names: c.9953C>A, p.Ser3318Tyr (NM_001386142.1); c.6587C>A, p.Ser2196Tyr (NM_001386166.1); c.10328C>A, p.Ser3443Tyr (NM_001386174.1); c.10304C>A, p.Ser3435Tyr (NM_001386175.1); c.4412-2018C>A (NM_001386186.2, NM_001386148.2); c.4214-2018C>A (NM_001354269.3); c.4292-2018C>A (NM_001386187.2); c.4253-2018C>A (NM_001386147.1); and 35 more; short protein forms S2196Y, S3318Y, S3396Y, S3435Y, S3443Y.
Identifiers: ClinVar variation 3893542 (VCV003893542.1).

ClinVar aggregate classification (germline): Uncertain significance (1 of 4 stars; one submission).

Submission:

GeneDx
Classification: Uncertain significance. Last evaluated: 2024-10-28. Review status: criteria provided, single submitter. Criteria: GeneDx Variant Classification Process June 2021. Collection method: clinical testing. Allele origin: germline. Affected: yes.
Comment: Not observed at significant frequency in large population cohorts (gnomAD); In silico analysis indicates that this missense variant does not alter protein structure/function; Has not been previously published as pathogenic or benign to our knowledge